The following is an entry in ClinVar:

NM_001382430.1(AKT1):c.1173-114C>T

Gene: AKT1 (AKT serine/threonine kinase 1; minus strand). Cytogenetic location: 14q32.33.
Variant type: single nucleotide variant.
Coding change: c.1173-114C>T on transcript NM_001382430.1 (MANE Select); 114 bases into the intron before coding-DNA position 1173, C replaced by T.
Molecular consequence: intron variant.
Genome position (GRCh38, 1-based): chr14:104,772,566, G>A on the plus strand (C>T on the coding strand, the complement: AKT1 is on the minus strand). VCF-style: chr14-104772566-G-A. GRCh37 (hg19) VCF-style: chr14-105238903-G-A.
Other names: c.1173-114C>T (NM_001014431.2, NM_001014432.2, NM_001382433.1 and 3 more transcripts).
Identifiers: ClinVar variation 4872053 (VCV004872053.2).

ClinVar aggregate classification (germline): Likely benign (1 of 4 stars; one submission).

gnomAD v4.1: 984 of 1,071,044 alleles (0.092%); highest among the groups gnomAD compares: Non-Finnish European, 0.1%; no homozygotes.

Submission:

CeGaT Center for Human Genetics Tuebingen
Classification: Likely benign. Last evaluated: 2026-05-01. Review status: criteria provided, single submitter. Criteria: CeGaT Center For Human Genetics Tuebingen Variant Classification Criteria Version 2. Collection method: clinical testing. Allele origin: germline. Affected: yes. Observed: 1 variant allele.
Comment: AKT1: BP4, BP7